The following is an entry in ClinVar:

ClinVar aggregate classification (germline): Benign. Review status: criteria provided, multiple submitters, no conflicts (2 of 4 stars). 2 submissions from 2 submitters: Benign (2). Last evaluated 2018-01-12.

Conditions:
Deficiency of 2-methylbutyryl-CoA dehydrogenase (ACADSB). Also called: 2-methylbutyryl-CoA dehydrogenase deficiency; SBCAD deficiency; 2-methylbutyric aciduria; Short branched-chain acyl-CoA dehydrogenase deficiency; 2-methylbutyrylglycinuria. Identifiers: Orphanet 79157, MedGen C1864912, MONDO:0012392, OMIM 610006, HP:0020147.

Allele frequency attached by ClinVar (database versions not stated): 1000 Genomes Project 30x 0.00781; 1000 Genomes Project 0.00799; gnomAD 0.01950 and 0.01882; TOPMed 0.01336; gnomAD exomes 0.01883.

Submissions (2):

Illumina Laboratory Services, Illumina
Classification: Benign for Deficiency of 2-methylbutyryl-CoA dehydrogenase. Last evaluated: 2018-01-12. Review status: criteria provided, single submitter. Criteria: ICSL Variant Classification Criteria 13 December 2019. Collection method: clinical testing. Allele origin: germline.
Comment: This variant was observed in the ICSL laboratory as part of a predisposition screen in an ostensibly healthy population. It had not been previously curated by ICSL or reported in the Human Gene Mutation Database (HGMD: prior to June 1st, 2018), and was therefore a candidate for classification through an automated scoring system. Utilizing variant allele frequency, disease prevalence and penetrance estimates, and inheritance mode, an automated score was calculated to assess if this variant is too frequent to cause the disease. Based on the score and internal cut-off values, a variant classified as benign is not then subjected to further curation. The score for this variant resulted in a classification of benign for this disease.

Breakthrough Genomics
Classification: Benign. Review status: criteria provided, single submitter. Criteria: ACMG Guidelines, 2015. Collection method: not provided. Allele origin: germline. Inheritance: Autosomal recessive inheritance. Affected: yes.

NM_001609.4(ACADSB):c.*2670C>T

Gene: ACADSB (acyl-CoA dehydrogenase short/branched chain; plus strand). Cytogenetic location: 10q26.13.
Variant type: single nucleotide variant.
Coding change: c.*2670C>T on transcript NM_001609.4 (MANE Select); 2670 bases downstream of the stop codon, C replaced by T.
Molecular consequence: 3 prime UTR variant.
Genome position (GRCh38, 1-based): chr10:123,056,435, C>T. VCF-style: chr10-123056435-C-T. GRCh37 (hg19) VCF-style: chr10-124815951-C-T.
Other names: c.*2670C>T (NM_001330174.3).
Identifiers: ClinVar variation 879049 (VCV000879049.5), dbSNP rs144203038, ClinGen allele CA215130379.